The following is an entry in ClinVar:

NM_001388185.1(JADE2):c.1103G>T (p.Gly368Val)

Gene: JADE2 (jade family PHD finger 2; plus strand). Cytogenetic location: 5q31.1.
Variant type: single nucleotide variant.
Coding change: c.1103G>T on transcript NM_001388185.1 (MANE Select); coding-DNA position 1103, G replaced by T.
Protein change: p.Gly368Val; replaces glycine 368 with valine.
Molecular consequence: missense variant.
Genome position (GRCh38, 1-based): chr5:134,566,249, G>T. VCF-style: chr5-134566249-G-T. GRCh37 (hg19) VCF-style: chr5-133901939-G-T.
Other names: c.1103G>T, p.Gly368Val (NM_001289984.2, NM_001308143.2, NM_001388186.1 and 3 more transcripts); c.1151G>T, p.Gly384Val (NM_001289985.2); short protein forms G368V, G384V.
Identifiers: ClinVar variation 3390326 (VCV003390326.14).

ClinVar aggregate classification (germline): Benign (1 of 4 stars; one submission).

gnomAD v4.1: 22,315 of 1,614,122 alleles (1.4%); highest among the groups gnomAD compares: Non-Finnish European, 1.5%; 192 homozygotes.

Submission:

CeGaT Center for Human Genetics Tuebingen
Classification: Benign. Last evaluated: 2024-11-01. Review status: criteria provided, single submitter. Criteria: CeGaT Center For Human Genetics Tuebingen Variant Classification Criteria Version 2. Collection method: clinical testing. Allele origin: germline. Affected: yes. Observed: 1 variant allele.
Comment: JADE2: BP4, BS1, BS2